The following is an entry in ClinVar:

ClinVar aggregate classification (germline): Uncertain significance (1 of 4 stars; one submission).

Conditions:
Inborn genetic diseases. Identifiers: MedGen C0950123, MeSH D030342.

Submission:

Ambry Genetics
Classification: Uncertain significance for Inborn genetic diseases. Last evaluated: 2022-06-01. Review status: criteria provided, single submitter. Criteria: Ambry Variant Classification Scheme 2023. Collection method: clinical testing. Allele origin: germline.
Comment: The p.H444R variant (also known as c.1331A>G), located in coding exon 10 of the ACD gene, results from an A to G substitution at nucleotide position 1331. The histidine at codon 444 is replaced by arginine, an amino acid with highly similar properties. This amino acid position is conserved. In addition, this alteration is predicted to be tolerated by in silico analysis. Since supporting evidence is limited at this time, the clinical significance of this alteration remains unclear.

NM_001082486.2(ACD):c.1073A>G (p.His358Arg)

Gene: ACD (ACD shelterin complex subunit and telomerase recruitment factor; minus strand). Cytogenetic location: 16q22.1.
Variant type: single nucleotide variant.
Coding change: c.1073A>G on transcript NM_001082486.2 (MANE Select); coding-DNA position 1073, A replaced by G.
Protein change: p.His358Arg; replaces histidine 358 with arginine.
Molecular consequence: missense variant.
Genome position (GRCh38, 1-based): chr16:67,658,119, T>C on the plus strand (A>G on the coding strand, the complement: ACD is on the minus strand). VCF-style: chr16-67658119-T-C. GRCh37 (hg19) VCF-style: chr16-67692022-T-C.
Other names: c.986A>G, p.His329Arg (NM_001410884.1); c.1064A>G, p.His355Arg (NM_022914.3); short protein forms H358R, H355R, H329R.
Identifiers: ClinVar variation 1770147 (VCV001770147.2), dbSNP rs2543598718, ClinGen allele CA396352228.